The following is an entry in ClinVar:

ClinVar aggregate classification (germline): Likely pathogenic (1 of 4 stars; one submission).

Submission:

GeneDx
Classification: Likely pathogenic. Last evaluated: 2025-08-02. Review status: criteria provided, single submitter. Criteria: GeneDx Variant Classification Process June 2021. Collection method: clinical testing. Allele origin: germline. Affected: yes.
Comment: Frameshift variant predicted to result in abnormal protein length as the last 68 amino acid(s) are replaced with 1 different amino acid(s), and other similar variants have been reported in HGMD; Not observed at significant frequency in large population cohorts (gnomAD); Has not been previously published as pathogenic or benign to our knowledge

NM_001330574.2(ZNF711):c.2218del (p.His740fs)

Gene: ZNF711 (zinc finger protein 711; plus strand). Cytogenetic location: Xq21.1.
Variant type: Deletion.
Coding change: c.2218del on transcript NM_001330574.2 (MANE Select); coding-DNA position 2218, one base deleted (C; older notation c.2218delC).
Protein change: p.His740fs; shifts the reading frame from histidine 740.
Molecular consequence: frameshift variant.
Genome position (GRCh38, 1-based): chrX:85,271,622, C deleted. VCF-style (leftmost placement, unchanged base first): chrX-85271621-AC-A. GRCh37 (hg19) VCF-style: chrX-84526627-AC-A.
Other names: c.2218del, p.His740fs (NM_001375431.1, NM_001375432.1, NM_001375433.1); c.2080del, p.His694fs (NM_001375434.1, NM_001375435.1, NM_001375436.1 and 2 more transcripts); short protein forms H694fs, H740fs.
Identifiers: ClinVar variation 4689791 (VCV004689791.1).